The following is an entry in ClinVar:

NM_007294.4(BRCA1):c.2258G>C (p.Ser753Thr)

Gene: BRCA1 (BRCA1 DNA repair associated; minus strand). Cytogenetic location: 17q21.31.
Variant type: single nucleotide variant.
Coding change: c.2258G>C on transcript NM_007294.4 (MANE Select); coding-DNA position 2258, G replaced by C.
Protein change: p.Ser753Thr; replaces serine 753 with threonine.
Molecular consequence: missense variant. On other transcripts: intron variant (137).
Genome position (GRCh38, 1-based): chr17:43,093,273, C>G on the plus strand (G>C on the coding strand, the complement: BRCA1 is on the minus strand). VCF-style: chr17-43093273-C-G. GRCh37 (hg19) VCF-style: chr17-41245290-C-G.
Other names: c.2045G>C, p.Ser682Thr (NM_001407571.1, NM_001407853.1, NM_001407894.1 and 9 more transcripts); c.2258G>C, p.Ser753Thr (NM_001407581.1, NM_001407582.1, NM_001407583.1 and 30 more transcripts); c.2255G>C, p.Ser752Thr (NM_001407587.1, NM_001407590.1, NM_001407591.1 and 22 more transcripts); c.2180G>C, p.Ser727Thr (NM_001407658.1, NM_001407663.1, NM_001407653.1 and 4 more transcripts); c.2177G>C, p.Ser726Thr (NM_001407659.1, NM_001407660.1, NM_001407661.1 and 1 more transcripts); c.2135G>C, p.Ser712Thr (NM_001407664.1, NM_001407665.1, NM_001407666.1 and 19 more transcripts); c.2132G>C, p.Ser711Thr (NM_001407685.1, NM_001407940.1, NM_001407941.1 and 11 more transcripts); c.2117G>C, p.Ser706Thr (NM_001407697.1, NM_001407698.1, NM_001407724.1 and 29 more transcripts); and 41 more; short protein forms S664T, S686T, S711T, S727T, S625T, S685T, S752T, S585T.
Identifiers: ClinVar variation 1788551 (VCV001788551.7), dbSNP rs878854939, ClinGen allele CA10597482.

ClinVar aggregate classification (germline): Conflicting classifications of pathogenicity. Review status: criteria provided, conflicting classifications (1 of 4 stars). 4 submissions from 4 submitters: Uncertain significance (3); Likely benign (1). Last evaluated 2025-03-30.

Conditions:
Breast-ovarian cancer, familial, susceptibility to, 1 (BROVCA1). Also called: BRCA1 Hereditary Breast and Ovarian Cancer; OVARIAN CANCER, SUSCEPTIBILITY TO. Identifiers: Orphanet 145, MedGen C2676676, MONDO:0011450, OMIM 604370. Disease mechanism: loss of function.
Hereditary breast ovarian cancer syndrome. Also called: Hereditary breast and ovarian cancer; Hereditary breast and ovarian cancer syndrome (HBOC); Breast and ovarian cancer; Hereditary breast and/or ovarian cancer syndrome; Hereditary breast and ovarian cancer syndrome; BRCA1- and BRCA2-Associated Hereditary Breast and Ovarian Cancer. Identifiers: Orphanet 145, MedGen C0677776, MeSH D061325, MONDO:0003582. Disease mechanism: loss of function.
Hereditary cancer-predisposing syndrome. Also called: Tumor predisposition; Hereditary Cancer Syndrome; Hereditary neoplastic syndrome; Neoplastic Syndromes, Hereditary. Identifiers: Orphanet 140162, MedGen C0027672, MeSH D009386, MONDO:0015356.

Submissions (4):

Labcorp Genetics (formerly Invitae), Labcorp
Classification: Uncertain significance for Hereditary breast ovarian cancer syndrome. Last evaluated: 2025-03-30. Review status: criteria provided, single submitter. Criteria: Invitae Variant Classification Sherloc (09022015). Collection method: clinical testing. Allele origin: germline.
Comment: This sequence change replaces serine, which is neutral and polar, with threonine, which is neutral and polar, at codon 753 of the BRCA1 protein (p.Ser753Thr). This variant is not present in population databases (gnomAD no frequency). This missense change has been observed in individual(s) with breast cancer (PMID: 22486713). ClinVar contains an entry for this variant (Variation ID: 1788551). Invitae Evidence Modeling of protein sequence and biophysical properties (such as structural, functional, and spatial information, amino acid conservation, physicochemical variation, residue mobility, and thermodynamic stability) indicates that this missense variant is not expected to disrupt BRCA1 protein function with a negative predictive value of 80%. In summary, the available evidence is currently insufficient to determine the role of this variant in disease. Therefore, it has been classified as a Variant of Uncertain Significance.

University of Washington Department of Laboratory Medicine, University of Washington
Classification: Likely benign for Hereditary cancer-predisposing syndrome. Last evaluated: 2023-03-23. Review status: criteria provided, single submitter. Criteria: Dines et al. (Genet Med. 2020). Collection method: curation. Allele origin: germline.
Comment: Missense variant in a coldspot region where missense variants are very unlikely to be pathogenic (PMID:31911673).

BRCA1 coldspot (exon 11 using historical exon numbering). Reclassification based on statistical prior probability

All of Us Research Program, National Institutes of Health
Classification: Uncertain significance for Breast-ovarian cancer, familial, susceptibility to, 1. Last evaluated: 2023-02-24. Review status: criteria provided, single submitter. Criteria: ACMG Guidelines, 2015. Collection method: clinical testing. Allele origin: germline. Inheritance: Autosomal dominant inheritance. Observed: 1 variant allele, 1 heterozygote.
Comment: This missense variant replaces serine with threonine at codon 753 of the BRCA1 protein. Computational prediction suggests that this variant may not impact protein structure and function (internally defined REVEL score threshold <= 0.5, PMID: 27666373). To our knowledge, functional studies have not been reported for this variant. This variant has not been reported in individuals affected with BRCA1-related disorders in the literature. This variant has not been identified in the general population by the Genome Aggregation Database (gnomAD). The available evidence is insufficient to determine the role of this variant in disease conclusively. Therefore, this variant is classified as a Variant of Uncertain Significance.

This study involves interpretation of variants in research participants for the purpose of population health screening. Participant phenotype was not available at the time of variant classification. Additional details can be found in publication PMID: 35346344, PMCID: PMC8962531

Ambry Genetics
Classification: Uncertain significance for Hereditary cancer-predisposing syndrome. Last evaluated: 2022-05-24. Review status: criteria provided, single submitter. Criteria: Ambry Variant Classification Scheme 2023. Collection method: clinical testing. Allele origin: germline.
Comment: The p.S753T variant (also known as c.2258G>C), located in coding exon 9 of the BRCA1 gene, results from a G to C substitution at nucleotide position 2258. The serine at codon 753 is replaced by threonine, an amino acid with similar properties. This amino acid position is not well conserved in available vertebrate species. In addition, the in silico prediction for this alteration is inconclusive. Since supporting evidence is limited at this time, the clinical significance of this alteration remains unclear.

Literature cited by the submitters: PubMed 22486713 (cited by Labcorp Genetics (formerly Invitae), Labcorp).